The following is an entry in ClinVar:

ClinVar aggregate classification (germline): Uncertain significance. Review status: criteria provided, multiple submitters, no conflicts (2 of 4 stars). 3 submissions from 3 submitters: Uncertain significance (3). Last evaluated 2024-11-26.

Conditions:
Joubert syndrome 17 (JBTS17). Identifiers: Orphanet 475, MedGen C3553264, MONDO:0013824, OMIM 614615.
Orofaciodigital syndrome type 6 (OFD6). Also called: OROFACIODIGITAL SYNDROME VI; OFDS VI; POLYDACTYLY, CLEFT LIP/PALATE OR LINGUAL LUMP, AND PSYCHOMOTOR RETARDATION; VARADI SYNDROME; VARADI-PAPP SYNDROME; Oral-facial-digital syndrome type 6. Identifiers: Orphanet 2754, MedGen C2745997, MONDO:0010176, OMIM 277170.

Allele frequency attached by ClinVar (database versions not stated): ExAC 0.00001; gnomAD exomes 0.00002 and 0.00004; gnomAD 0.00005 and 0.00006; TOPMed 0.00005.
gnomAD v4.1: 60 of 1,612,948 alleles (0.0037%); highest among the groups gnomAD compares: African/African-American, 0.0067%; no homozygotes.

Submissions (3):

Blueprint Genetics
Classification: Uncertain significance. Last evaluated: 2024-11-26. Review status: criteria provided, single submitter. Criteria: ACMG Guidelines, 2015. Collection method: clinical testing. Allele origin: germline.

Fulgent Genetics
Classification: Uncertain significance for Orofaciodigital syndrome type 6; Joubert syndrome 17. Last evaluated: 2024-03-18. Review status: criteria provided, single submitter. Criteria: ACMG Guidelines, 2015. Collection method: clinical testing. Allele origin: germline.

Labcorp Genetics (formerly Invitae), Labcorp
Classification: Uncertain significance. Last evaluated: 2023-08-18. Review status: criteria provided, single submitter. Criteria: Invitae Variant Classification Sherloc (09022015). Collection method: clinical testing. Allele origin: germline.
Comment: In summary, the available evidence is currently insufficient to determine the role of this variant in disease. Therefore, it has been classified as a Variant of Uncertain Significance. Advanced modeling of protein sequence and biophysical properties (such as structural, functional, and spatial information, amino acid conservation, physicochemical variation, residue mobility, and thermodynamic stability) performed at Invitae indicates that this missense variant is not expected to disrupt CPLANE1 protein function. ClinVar contains an entry for this variant (Variation ID: 1432243). This variant has not been reported in the literature in individuals affected with CPLANE1-related conditions. This variant is present in population databases (rs371361208, gnomAD 0.008%). This sequence change replaces alanine, which is neutral and non-polar, with valine, which is neutral and non-polar, at codon 2425 of the CPLANE1 protein (p.Ala2425Val).

NM_001384732.1(CPLANE1):c.7274C>T (p.Ala2425Val)

Gene: CPLANE1 (ciliogenesis and planar polarity effector complex subunit 1; minus strand). Cytogenetic location: 5p13.2.
Variant type: single nucleotide variant.
Coding change: c.7274C>T on transcript NM_001384732.1 (MANE Select); coding-DNA position 7274, C replaced by T.
Protein change: p.Ala2425Val; replaces alanine 2425 with valine.
Molecular consequence: missense variant.
Genome position (GRCh38, 1-based): chr5:37,167,173, G>A on the plus strand (C>T on the coding strand, the complement: CPLANE1 is on the minus strand). VCF-style: chr5-37167173-G-A. GRCh37 (hg19) VCF-style: chr5-37167275-G-A.
Other names: c.7274C>T (NM_023073.3); c.7274C>T, p.Ala2425Val (NM_023073.4); short protein forms A2425V.
Identifiers: ClinVar variation 1432243 (VCV001432243.7), dbSNP rs371361208, ClinGen allele CA3238100.